The following is an entry in ClinVar:

NM_006063.3(KLHL41):c.15G>A (p.Arg5=)

Gene: KLHL41 (kelch like family member 41; plus strand). Cytogenetic location: 2q31.1.
Variant type: single nucleotide variant.
Coding change: c.15G>A on transcript NM_006063.3 (MANE Select); coding-DNA position 15, G replaced by A.
Protein change: p.Arg5=; no amino-acid change (arginine 5 retained).
Molecular consequence: synonymous variant.
Genome position (GRCh38, 1-based): chr2:169,509,793, G>A. VCF-style: chr2-169509793-G-A. GRCh37 (hg19) VCF-style: chr2-170366303-G-A.
Identifiers: ClinVar variation 474866 (VCV000474866.19), dbSNP rs144048872, ClinGen allele CA1956432.

ClinVar aggregate classification (germline): Benign/Likely benign. Review status: criteria provided, multiple submitters, no conflicts (2 of 4 stars). 4 submissions from 4 submitters: Benign (1); Likely benign (2). 1 of the submissions does not count toward it. Last evaluated 2026-01-19.

Conditions:
KLHL41-related disorder. Also called: KLHL41-related condition.
Nemaline myopathy 9 (NEM9). Identifiers: MedGen C3810384, MONDO:0014326, OMIM 615731.

Allele frequency attached by ClinVar (database versions not stated): gnomAD exomes 0.00040 and 0.00121; ExAC 0.00146; 1000 Genomes Project 0.00339; 1000 Genomes Project 30x 0.00375; gnomAD 0.00458 and 0.00495; ESP Exome Variant Server 0.00500; TOPMed 0.00546.
gnomAD v4.1: 1,317 of 1,610,926 alleles (0.082%); highest among the groups gnomAD compares: African/African-American, 1.5%; 10 homozygotes.

Submissions (4):

Labcorp Genetics (formerly Invitae), Labcorp
Classification: Benign for Nemaline myopathy 9. Last evaluated: 2026-01-19. Review status: criteria provided, single submitter. Criteria: Invitae Variant Classification Sherloc (09022015). Collection method: clinical testing. Allele origin: germline.

Blueprint Genetics
Classification: Likely benign. Last evaluated: 2024-07-30. Review status: criteria provided, single submitter. Criteria: ACMG Guidelines, 2015. Collection method: clinical testing. Allele origin: germline.

GeneDx
Classification: Likely benign. Last evaluated: 2021-08-13. Review status: criteria provided, single submitter. Criteria: GeneDx Variant Classification Process June 2021. Collection method: clinical testing. Allele origin: germline. Affected: yes.

PreventionGenetics, part of Exact Sciences
Classification: Benign for KLHL41-related condition. Last evaluated: 2019-07-19. Review status: no assertion criteria provided. Collection method: clinical testing. Allele origin: germline. Not counted in ClinVar's aggregate classification.
Comment: This variant is classified as benign based on ACMG/AMP sequence variant interpretation guidelines (Richards et al. 2015 PMID: 25741868, with internal and published modifications).